The following is an entry in ClinVar:

NM_025099.6(CTC1):c.737T>C (p.Ile246Thr)

Gene: CTC1 (CST telomere replication complex component 1; minus strand). Cytogenetic location: 17p13.1.
Variant type: single nucleotide variant.
Coding change: c.737T>C on transcript NM_025099.6 (MANE Select); coding-DNA position 737, T replaced by C.
Protein change: p.Ile246Thr; replaces isoleucine 246 with threonine.
Molecular consequence: missense variant.
Genome position (GRCh38, 1-based): chr17:8,237,430, A>G on the plus strand (T>C on the coding strand, the complement: CTC1 is on the minus strand). VCF-style: chr17-8237430-A-G. GRCh37 (hg19) VCF-style: chr17-8140748-A-G.
Other names: short protein forms I246T.
Identifiers: ClinVar variation 1374705 (VCV001374705.6), dbSNP rs2151527713, ClinGen allele CA397991397.

ClinVar aggregate classification (germline): Uncertain significance (1 of 4 stars; one submission).

Conditions:
Dyskeratosis congenita. Identifiers: Orphanet 1775, MedGen C0265965, MONDO:0015780.

Submission:

Labcorp Genetics (formerly Invitae), Labcorp
Classification: Uncertain significance for Dyskeratosis congenita. Last evaluated: 2021-08-12. Review status: criteria provided, single submitter. Criteria: Invitae Variant Classification Sherloc (09022015). Collection method: clinical testing. Allele origin: germline.
Comment: This variant is not present in population databases (ExAC no frequency). In summary, the available evidence is currently insufficient to determine the role of this variant in disease. Therefore, it has been classified as a Variant of Uncertain Significance. Algorithms developed to predict the effect of missense changes on protein structure and function are either unavailable or do not agree on the potential impact of this missense change (SIFT: "Deleterious"; PolyPhen-2: "Benign"; Align-GVGD: "Class C0"). This variant has not been reported in the literature in individuals affected with CTC1-related conditions. This sequence change replaces isoleucine with threonine at codon 246 of the CTC1 protein (p.Ile246Thr). The isoleucine residue is moderately conserved and there is a moderate physicochemical difference between isoleucine and threonine.